The following is an entry in ClinVar:

NM_031407.7(HUWE1):c.10581C>T (p.Val3527=)

Gene: HUWE1 (HECT, UBA and WWE domain containing E3 ubiquitin protein ligase 1; minus strand). Cytogenetic location: Xp11.22.
Variant type: single nucleotide variant.
Coding change: c.10581C>T on transcript NM_031407.7 (MANE Select); coding-DNA position 10581, C replaced by T.
Protein change: p.Val3527=; no amino-acid change (valine 3527 retained).
Molecular consequence: synonymous variant.
Genome position (GRCh38, 1-based): chrX:53,547,728, G>A on the plus strand (C>T on the coding strand, the complement: HUWE1 is on the minus strand). VCF-style: chrX-53547728-G-A. GRCh37 (hg19) VCF-style: chrX-53574689-G-A.
Identifiers: ClinVar variation 3709977 (VCV003709977.6).

ClinVar aggregate classification (germline): Benign/Likely benign. Review status: criteria provided, multiple submitters, no conflicts (2 of 4 stars). 2 submissions from 2 submitters: Benign (1); Likely benign (1). Last evaluated 2026-08-01.

gnomAD v4.1: 116 of 1,204,794 alleles (0.0096%); highest among the groups gnomAD compares: Admixed American, 0.011%; no homozygotes.

Submissions (2):

CeGaT Center for Human Genetics Tuebingen
Classification: Likely benign. Last evaluated: 2026-08-01. Review status: criteria provided, single submitter. Criteria: CeGaT Center For Human Genetics Tuebingen Variant Classification Criteria Version 2. Collection method: clinical testing. Allele origin: germline. Affected: yes. Observed: 2 variant alleles.
Comment: HUWE1: BP4, BP7, BS2

Labcorp Genetics (formerly Invitae), Labcorp
Classification: Benign. Last evaluated: 2025-03-27. Review status: criteria provided, single submitter. Criteria: Invitae Variant Classification Sherloc (09022015). Collection method: clinical testing. Allele origin: germline.